The following is an entry in ClinVar:

NM_153676.4(USH1C):c.105G>T (p.Gln35His)

Gene: USH1C (USH1 protein network component harmonin; minus strand). Cytogenetic location: 11p15.1.
Variant type: single nucleotide variant.
Coding change: c.105G>T on transcript NM_153676.4 (MANE Select); coding-DNA position 105, G replaced by T.
Protein change: p.Gln35His; replaces glutamine 35 with histidine.
Molecular consequence: missense variant. On other transcripts: non-coding transcript variant (1).
Genome position (GRCh38, 1-based): chr11:17,531,542, C>A on the plus strand (G>T on the coding strand, the complement: USH1C is on the minus strand). VCF-style: chr11-17531542-C-A. GRCh37 (hg19) VCF-style: chr11-17553089-C-A.
Other names: c.105G>T, p.Gln35His (NM_001297764.2, NM_005709.4); short protein forms Q35H.
Identifiers: ClinVar variation 2791175 (VCV002791175.3), dbSNP rs369151395, ClinGen allele CA379798944.
Genomic context (GRCh38, chr11:17,531,542, plus strand): 5'-ACGGCTGGGTTCATTGATGACCAGCTTCAGGTCTCCCACGAGCACGGCCACGTCCATGGT[C>A]CTGTGGAGATGCCGGGAATGCCTGGAGCCTCACCCCTGGCCATGACCTCAGGCACCCAGG-3'
Protein context (NP_710142.1, residues 25-45): YLYDVLRMYH[Gln35His]TMDVAVLVGD

ClinVar aggregate classification (germline): Uncertain significance (1 of 4 stars; one submission).

Submission:

Labcorp Genetics (formerly Invitae), Labcorp
Classification: Uncertain significance. Last evaluated: 2023-07-25. Review status: criteria provided, single submitter. Criteria: Invitae Variant Classification Sherloc (09022015). Collection method: clinical testing. Allele origin: germline.
Comment: In summary, the available evidence is currently insufficient to determine the role of this variant in disease. Therefore, it has been classified as a Variant of Uncertain Significance. An algorithm developed to predict the effect of missense changes on protein structure and function (PolyPhen-2) suggests that this variant is likely to be tolerated. This variant has not been reported in the literature in individuals affected with USH1C-related conditions. This variant is not present in population databases (gnomAD no frequency). This sequence change replaces glutamine, which is neutral and polar, with histidine, which is basic and polar, at codon 35 of the USH1C protein (p.Gln35His).